The following is an entry in ClinVar:

NM_000979.4(RPL18):c.8T>C (p.Val3Ala)

Gene: RPL18 (ribosomal protein L18; minus strand). Cytogenetic location: 19q13.33.
Variant type: single nucleotide variant.
Coding change: c.8T>C on transcript NM_000979.4 (MANE Select); coding-DNA position 8, T replaced by C.
Protein change: p.Val3Ala; replaces valine 3 with alanine.
Molecular consequence: missense variant. On other transcripts: non-coding transcript variant (1), intron variant (1).
Genome position (GRCh38, 1-based): chr19:48,617,873, A>G on the plus strand (T>C on the coding strand, the complement: RPL18 is on the minus strand). VCF-style: chr19-48617873-A-G. GRCh37 (hg19) VCF-style: chr19-49121130-A-G.
Other names: c.4-450T>C (NM_001270490.2); short protein forms V3A.
Identifiers: ClinVar variation 2036609 (VCV002036609.4), dbSNP rs1297654161, ClinGen allele CA406700873.

ClinVar aggregate classification (germline): Uncertain significance (1 of 4 stars; one submission).

Allele frequency attached by ClinVar (database versions not stated): gnomAD exomes below 0.00001.
gnomAD v4.1: 2 of 1,613,328 alleles (0.00012%); highest among the groups gnomAD compares: Non-Finnish European, 0.00017%; no homozygotes.

Submission:

Labcorp Genetics (formerly Invitae), Labcorp
Classification: Uncertain significance. Last evaluated: 2022-10-23. Review status: criteria provided, single submitter. Criteria: Invitae Variant Classification Sherloc (09022015). Collection method: clinical testing. Allele origin: germline.
Comment: This sequence change replaces valine, which is neutral and non-polar, with alanine, which is neutral and non-polar, at codon 3 of the RPL18 protein (p.Val3Ala). This variant is present in population databases (no rsID available, gnomAD 0.0009%). In summary, the available evidence is currently insufficient to determine the role of this variant in disease. Therefore, it has been classified as a Variant of Uncertain Significance. Algorithms developed to predict the effect of missense changes on protein structure and function are either unavailable or do not agree on the potential impact of this missense change (SIFT: "Deleterious"; PolyPhen-2: "Benign"; Align-GVGD: "Class C0"). This variant has not been reported in the literature in individuals affected with RPL18-related conditions.